The following is an entry in ClinVar:

NM_203446.3(SYNJ1):c.*527G>A

Gene: SYNJ1 (synaptojanin 1; minus strand). Cytogenetic location: 21q22.11.
Variant type: single nucleotide variant.
Coding change: c.*527G>A on transcript NM_203446.3 (MANE Select); 527 bases downstream of the stop codon, G replaced by A.
Molecular consequence: 3 prime UTR variant. On other transcripts: missense variant (2).
Genome position (GRCh38, 1-based): chr21:32,631,278, C>T on the plus strand (G>A on the coding strand, the complement: SYNJ1 is on the minus strand). VCF-style: chr21-32631278-C-T. GRCh37 (hg19) VCF-style: chr21-34003588-C-T.
Other names: c.*527G>A (NM_001160302.2); c.4298G>A, p.Gly1433Glu (NM_001160306.2); c.4556G>A, p.Gly1519Glu (NM_003895.4); short protein forms G1433E, G1519E.
Identifiers: ClinVar variation 1917320 (VCV001917320.4), dbSNP rs1466054559, ClinGen allele CA410081411.

ClinVar aggregate classification (germline): Uncertain significance. Review status: criteria provided, multiple submitters, no conflicts (2 of 4 stars). 2 submissions from 2 submitters: Uncertain significance (2). Last evaluated 2025-01-17.

Conditions:
Developmental and epileptic encephalopathy, 53. Also called: Epileptic encephalopathy, early infantile, 53. Identifiers: MedGen C4479313, MONDO:0033362, OMIM 617389.
Early-onset Parkinson disease 20. Also called: PARKINSON DISEASE 20, AUTOSOMAL RECESSIVE EARLY-ONSET. Identifiers: Orphanet 391411, MedGen C3809824, MONDO:0014233, OMIM 615530.
Inborn genetic diseases. Identifiers: MedGen C0950123, MeSH D030342.

Allele frequency attached by ClinVar (database versions not stated): gnomAD 0.00001; gnomAD exomes 0.00001; TOPMed 0.00001.
gnomAD v4.1: 14 of 1,614,112 alleles (0.00087%); highest among the groups gnomAD compares: Non-Finnish European, 0.0012%; no homozygotes.

Submissions (2):

Ambry Genetics
Classification: Uncertain significance for Inborn genetic diseases. Last evaluated: 2025-01-17. Review status: criteria provided, single submitter. Criteria: Ambry Variant Classification Scheme 2023. Collection method: clinical testing. Allele origin: germline.

Labcorp Genetics (formerly Invitae), Labcorp
Classification: Uncertain significance for Developmental and epileptic encephalopathy, 53; Early-onset Parkinson disease 20. Last evaluated: 2022-05-25. Review status: criteria provided, single submitter. Criteria: Invitae Variant Classification Sherloc (09022015). Collection method: clinical testing. Allele origin: germline.
Comment: This sequence change replaces glycine, which is neutral and non-polar, with glutamic acid, which is acidic and polar, at codon 1519 of the SYNJ1 protein (p.Gly1519Glu). This variant is present in population databases (no rsID available, gnomAD 0.0009%). This variant has not been reported in the literature in individuals affected with SYNJ1-related conditions. Algorithms developed to predict the effect of missense changes on protein structure and function are either unavailable or do not agree on the potential impact of this missense change (SIFT: "Deleterious"; PolyPhen-2: "Benign"; Align-GVGD: "Class C0"). In summary, the available evidence is currently insufficient to determine the role of this variant in disease. Therefore, it has been classified as a Variant of Uncertain Significance.